The following is an entry in ClinVar:

NM_000505.4(F12):c.1013C>T (p.Pro338Leu)

Gene: F12 (coagulation factor XII; minus strand). Cytogenetic location: 5q35.3.
Variant type: single nucleotide variant.
Coding change: c.1013C>T on transcript NM_000505.4 (MANE Select); coding-DNA position 1013, C replaced by T.
Protein change: p.Pro338Leu; replaces proline 338 with leucine.
Molecular consequence: missense variant.
Genome position (GRCh38, 1-based): chr5:177,404,201, G>A on the plus strand (C>T on the coding strand, the complement: F12 is on the minus strand). VCF-style: chr5-177404201-G-A. GRCh37 (hg19) VCF-style: chr5-176831202-G-A.
Other names: short protein forms P338L.
Identifiers: ClinVar variation 1497286 (VCV001497286.6), dbSNP rs1230433689, ClinGen allele CA362328166.

ClinVar aggregate classification (germline): Uncertain significance (1 of 4 stars; one submission).

Allele frequency attached by ClinVar (database versions not stated): gnomAD 0.00001.
gnomAD v4.1: 2 of 1,603,372 alleles (0.00012%); highest among the groups gnomAD compares: African/African-American, 0.0013%; no homozygotes.

Submission:

Labcorp Genetics (formerly Invitae), Labcorp
Classification: Uncertain significance. Last evaluated: 2021-10-13. Review status: criteria provided, single submitter. Criteria: Invitae Variant Classification Sherloc (09022015). Collection method: clinical testing. Allele origin: germline.
Comment: In summary, the available evidence is currently insufficient to determine the role of this variant in disease. Therefore, it has been classified as a Variant of Uncertain Significance. Algorithms developed to predict the effect of missense changes on protein structure and function output the following: SIFT: "Tolerated"; PolyPhen-2: "Benign"; Align-GVGD: "Class C0". The leucine amino acid residue is found in multiple mammalian species, which suggests that this missense change does not adversely affect protein function. This variant has not been reported in the literature in individuals affected with F12-related conditions. This variant is not present in population databases (ExAC no frequency). This sequence change replaces proline with leucine at codon 338 of the F12 protein (p.Pro338Leu). The proline residue is moderately conserved and there is a moderate physicochemical difference between proline and leucine.